The following is an entry in ClinVar:

ClinVar aggregate classification (germline): Uncertain significance (1 of 4 stars; one submission).

Submission:

GeneDx
Classification: Uncertain significance. Last evaluated: 2023-01-27. Review status: criteria provided, single submitter. Criteria: GeneDx Variant Classification Process June 2021. Collection method: clinical testing. Allele origin: germline. Affected: yes.
Comment: Not observed in large population cohorts (gnomAD); In silico analysis supports that this missense variant has a deleterious effect on protein structure/function; Has not been previously published as pathogenic or benign to our knowledge

NM_002578.5(PAK3):c.226T>C (p.Phe76Leu)

Gene: PAK3 (p21 (RAC1) activated kinase 3; plus strand). Cytogenetic location: Xq23.
Variant type: single nucleotide variant.
Coding change: c.226T>C on transcript NM_002578.5 (MANE Select); coding-DNA position 226, T replaced by C.
Protein change: p.Phe76Leu; replaces phenylalanine 76 with leucine.
Molecular consequence: missense variant. On other transcripts: non-coding transcript variant (2).
Genome position (GRCh38, 1-based): chrX:111,142,146, T>C. VCF-style: chrX-111142146-T-C. GRCh37 (hg19) VCF-style: chrX-110385374-T-C.
Other names: c.226T>C, p.Phe76Leu (NM_001128166.3, NM_001128167.3, NM_001128168.3 and 12 more transcripts); short protein forms F76L.
Identifiers: ClinVar variation 1212907 (VCV001212907.4), dbSNP rs2149091322, ClinGen allele CA414242678.